The following is an entry in ClinVar:

NM_001122752.2(SERPINI1):c.710G>T (p.Gly237Val)

Gene: SERPINI1 (serpin family I member 1; plus strand). Cytogenetic location: 3q26.1.
Variant type: single nucleotide variant.
Coding change: c.710G>T on transcript NM_001122752.2 (MANE Select); coding-DNA position 710, G replaced by T.
Protein change: p.Gly237Val; replaces glycine 237 with valine.
Molecular consequence: missense variant.
Genome position (GRCh38, 1-based): chr3:167,794,653, G>T. VCF-style: chr3-167794653-G-T. GRCh37 (hg19) VCF-style: chr3-167512441-G-T.
Other names: c.710G>T, p.Gly237Val (NM_005025.5); short protein forms G237V.
Identifiers: ClinVar variation 3622695 (VCV003622695.2).

ClinVar aggregate classification (germline): Uncertain significance (1 of 4 stars; one submission).

Conditions:
Familial encephalopathy with neuroserpin inclusion bodies. Also called: ENCEPHALOPATHY, FAMILIAL, WITH COLLINS BODIES. Identifiers: Orphanet 85110, MedGen C1858680, MONDO:0011412, OMIM 604218.

gnomAD v4.1: 9 of 1,613,400 alleles (0.00056%); highest among the groups gnomAD compares: East Asian, 0.0022%; no homozygotes.

Submission:

Labcorp Genetics (formerly Invitae), Labcorp
Classification: Uncertain significance for Familial encephalopathy with neuroserpin inclusion bodies. Last evaluated: 2024-03-01. Review status: criteria provided, single submitter. Criteria: Invitae Variant Classification Sherloc (09022015). Collection method: clinical testing. Allele origin: germline.
Comment: This sequence change replaces glycine, which is neutral and non-polar, with valine, which is neutral and non-polar, at codon 237 of the SERPINI1 protein (p.Gly237Val). This variant is not present in population databases (gnomAD no frequency). This variant has not been reported in the literature in individuals affected with SERPINI1-related conditions. An algorithm developed to predict the effect of missense changes on protein structure and function (PolyPhen-2) suggests that this variant is likely to be disruptive. In summary, the available evidence is currently insufficient to determine the role of this variant in disease. Therefore, it has been classified as a Variant of Uncertain Significance.